The following is an entry in ClinVar:

NM_152564.5(VPS13B):c.3709T>C (p.Trp1237Arg)

Gene: VPS13B (vacuolar protein sorting 13 homolog B; plus strand). Cytogenetic location: 8q22.2.
Variant type: single nucleotide variant.
Coding change: c.3709T>C on transcript NM_152564.5 (MANE Select); coding-DNA position 3709, T replaced by C.
Protein change: p.Trp1237Arg; replaces tryptophan 1237 with arginine.
Molecular consequence: missense variant.
Genome position (GRCh38, 1-based): chr8:99,481,641, T>C. VCF-style: chr8-99481641-T-C. GRCh37 (hg19) VCF-style: chr8-100493869-T-C.
Other names: c.3709T>C, p.Trp1237Arg (NM_017890.5); short protein forms W1237R.
Identifiers: ClinVar variation 4984205 (VCV004984205.1).

ClinVar aggregate classification (germline): Uncertain significance (1 of 4 stars; one submission).

Conditions:
VPS13B-related disorder. Also called: VPS13B-related condition.

gnomAD v4.1: 2 of 1,613,962 alleles (0.00012%); highest among the groups gnomAD compares: Admixed American, 0.0017%; no homozygotes.

Submission:

PreventionGenetics, part of Exact Sciences
Classification: Uncertain significance for VPS13B-related condition. Last evaluated: 2025-10-28. Review status: criteria provided, single submitter. Criteria: ACMG Guidelines, 2015. Collection method: clinical testing. Allele origin: germline.
Comment: The VPS13B c.3709T>C variant is predicted to result in the amino acid substitution p.Trp1237Arg. To our knowledge, this variant has not been reported in the literature. This variant is reported in 0.0029% of alleles in individuals of Latino descent in gnomAD. At this time, the clinical significance of this variant is uncertain due to the absence of conclusive functional and genetic evidence.